The following is an entry in ClinVar:

ClinVar aggregate classification (germline): Uncertain significance (1 of 4 stars; one submission).

Submission:

Labcorp Genetics (formerly Invitae), Labcorp
Classification: Uncertain significance. Last evaluated: 2023-05-29. Review status: criteria provided, single submitter. Criteria: Invitae Variant Classification Sherloc (09022015). Collection method: clinical testing. Allele origin: germline.
Comment: In summary, the available evidence is currently insufficient to determine the role of this variant in disease. Therefore, it has been classified as a Variant of Uncertain Significance. Advanced modeling of protein sequence and biophysical properties (such as structural, functional, and spatial information, amino acid conservation, physicochemical variation, residue mobility, and thermodynamic stability) performed at Invitae indicates that this missense variant is not expected to disrupt LRP6 protein function. This variant has not been reported in the literature in individuals affected with LRP6-related conditions. This variant is not present in population databases (gnomAD no frequency). This sequence change replaces glutamic acid, which is acidic and polar, with lysine, which is basic and polar, at codon 51 of the LRP6 protein (p.Glu51Lys).

NM_002336.3(LRP6):c.151G>A (p.Glu51Lys)

Gene: LRP6 (LDL receptor related protein 6; minus strand). Cytogenetic location: 12p13.2.
Variant type: single nucleotide variant.
Coding change: c.151G>A on transcript NM_002336.3 (MANE Select); coding-DNA position 151, G replaced by A.
Protein change: p.Glu51Lys; replaces glutamic acid 51 with lysine.
Molecular consequence: missense variant. On other transcripts: 5 prime UTR variant (2), non-coding transcript variant (1), intron variant (1).
Genome position (GRCh38, 1-based): chr12:12,244,560, C>T on the plus strand (G>A on the coding strand, the complement: LRP6 is on the minus strand). VCF-style: chr12-12244560-C-T. GRCh37 (hg19) VCF-style: chr12-12397494-C-T.
Other names: c.151G>A, p.Glu51Lys (NM_001414244.1, NM_001414245.1, NM_001414246.1 and 6 more transcripts); c.-303G>A (NM_001414253.1); c.-299G>A (NM_001414254.1); c.-5+22121G>A (NM_001414252.1); short protein forms E51K.
Identifiers: ClinVar variation 2748182 (VCV002748182.3), dbSNP rs2499323886, ClinGen allele CA383945949.